The following is an entry in ClinVar:

NM_001999.4(FBN2):c.91C>T (p.Gln31Ter)

Gene: FBN2 (fibrillin 2; minus strand). Cytogenetic location: 5q23.3.
Variant type: single nucleotide variant.
Coding change: c.91C>T on transcript NM_001999.4 (MANE Select); coding-DNA position 91, C replaced by T.
Protein change: p.Gln31Ter; replaces glutamine 31 with a stop codon.
Molecular consequence: nonsense.
Genome position (GRCh38, 1-based): chr5:128,537,513, G>A on the plus strand (C>T on the coding strand, the complement: FBN2 is on the minus strand). VCF-style: chr5-128537513-G-A. GRCh37 (hg19) VCF-style: chr5-127873206-G-A.
Other names: short protein forms Q31*.
Identifiers: ClinVar variation 1709548 (VCV001709548.2), dbSNP rs2479828044, ClinGen allele CA360762952.

ClinVar aggregate classification (germline): Likely pathogenic (1 of 4 stars; one submission).

Conditions:
Congenital contractural arachnodactyly (CCA). Also called: BEALS SYNDROME; Beals-Hecht syndrome; Arthrogryposis, distal, type 9. Identifiers: Orphanet 115, MedGen C0220668, MONDO:0007363, OMIM 121050.

Submission:

MGZ Medical Genetics Center
Classification: Likely pathogenic for Congenital contractural arachnodactyly. Last evaluated: 2022-06-15. Review status: criteria provided, single submitter. Criteria: ACMG Guidelines, 2015. Collection method: clinical testing. Allele origin: germline. Affected: yes. Observed: 1 variant allele.
Comment: ACMG criteria applied: PVS1, PM2_SUP